The following is an entry in ClinVar:

ClinVar aggregate classification (germline): Uncertain significance (1 of 4 stars; one submission).

Conditions:
Neurofibromatosis, type 1 (NF1). Also called: Peripheral type neurofibromatosis; VON RECKLINGHAUSEN DISEASE; Neurofibromatosis, type I; NEUROFIBROMATOSIS, TYPE I, SOMATIC. Identifiers: Orphanet 636, MedGen C0027831, MONDO:0018975, OMIM 162200. Disease mechanism: loss of function.

Allele frequency attached by ClinVar (database versions not stated): gnomAD exomes below 0.00001.
gnomAD v4.1: 1 of 1,613,920 alleles (0.000062%); highest among the groups gnomAD compares: Non-Finnish European, 0.000085%; no homozygotes.

Submission:

Labcorp Genetics (formerly Invitae), Labcorp
Classification: Uncertain significance for Neurofibromatosis, type 1. Last evaluated: 2020-06-29. Review status: criteria provided, single submitter. Criteria: Invitae Variant Classification Sherloc (09022015). Collection method: clinical testing. Allele origin: germline.
Comment: This sequence change replaces valine with alanine at codon 2229 of the NF1 protein (p.Val2229Ala). The valine residue is moderately conserved and there is a small physicochemical difference between valine and alanine. This variant is not present in population databases (ExAC no frequency). This variant has not been reported in the literature in individuals with NF1-related disease. Algorithms developed to predict the effect of missense changes on protein structure and function do not agree on the potential impact of this missense change (SIFT: "Tolerated"; PolyPhen-2: "Probably Damaging"; Align-GVGD: "Class C0"). In summary, the available evidence is currently insufficient to determine the role of this variant in disease. Therefore, it has been classified as a Variant of Uncertain Significance.

NM_001042492.3(NF1):c.6749T>C (p.Val2250Ala)

Gene: NF1 (neurofibromin 1; plus strand). Cytogenetic location: 17q11.2.
Variant type: single nucleotide variant.
Coding change: c.6749T>C on transcript NM_001042492.3 (MANE Select); coding-DNA position 6749, T replaced by C.
Protein change: p.Val2250Ala; replaces valine 2250 with alanine.
Molecular consequence: missense variant.
Genome position (GRCh38, 1-based): chr17:31,338,069, T>C. VCF-style: chr17-31338069-T-C. GRCh37 (hg19) VCF-style: chr17-29665087-T-C.
Other names: c.6686T>C, p.Val2229Ala (NM_000267.4); short protein forms V2229A, V2250A.
Identifiers: ClinVar variation 572193 (VCV000572193.5), dbSNP rs1567617869, ClinGen allele CA399014076.
Genomic context (GRCh38, chr17:31,338,069, plus strand): 5'-GATCTTTTAATTGCAGATTTGCATTCCAATATAATCCATCCCTGCAACCAAGAGCTCTTG[T>C]TGTCTTTGGGTGTATTAGCAAACGAGTGTCTCATGGGCAGATAAAGCAGATAATCCGTAT-3'
Protein context (NP_001035957.1, residues 2240-2260): YNPSLQPRAL[Val2250Ala]VFGCISKRVS